The following is an entry in ClinVar:

NM_024753.5(TTC21B):c.1847G>A (p.Arg616His)

Gene: TTC21B (tetratricopeptide repeat domain 21B; minus strand). Cytogenetic location: 2q24.3.
Variant type: single nucleotide variant.
Coding change: c.1847G>A on transcript NM_024753.5 (MANE Select); coding-DNA position 1847, G replaced by A.
Protein change: p.Arg616His; replaces arginine 616 with histidine.
Molecular consequence: missense variant.
Genome position (GRCh38, 1-based): chr2:165,917,309, C>T on the plus strand (G>A on the coding strand, the complement: TTC21B is on the minus strand). VCF-style: chr2-165917309-C-T. GRCh37 (hg19) VCF-style: chr2-166773819-C-T.
Other names: c.1847G>A (NM_024753.4); short protein forms R616H.
Identifiers: ClinVar variation 1419595 (VCV001419595.5), dbSNP rs780307963, ClinGen allele CA1942007.

ClinVar aggregate classification (germline): Uncertain significance. Review status: criteria provided, multiple submitters, no conflicts (2 of 4 stars). 3 submissions from 3 submitters: Uncertain significance (3). Last evaluated 2026-02-25.

Conditions:
TTC21B-related disorder. Also called: TTC21B-related disorders; TTC21B-related condition.
Nephronophthisis. Also called: Juvenile Nephronophthisis. Identifiers: Orphanet 655, MedGen C0687120, MONDO:0019005, HP:0000090.
Jeune thoracic dystrophy. Also called: Jeune syndrome; Infantile thoracic dystrophy; Thoracic pelvic phalangeal dystrophy; Jeune's syndrome; Chondroectodermal dysplasia-like syndrome; Short-rib thoracic dysplasia. Identifiers: Orphanet 474, MedGen C0265275, MONDO:0018770.
Nephronophthisis 12 (NPHP12). Identifiers: Orphanet 655, MedGen C3151186, MONDO:0013442, OMIM 613820.
Asphyxiating thoracic dystrophy 4 (SRTD4). Also called: SHORT-RIB THORACIC DYSPLASIA 4 WITH OR WITHOUT POLYDACTYLY; SHORT-RIB THORACIC DYSPLASIA 4. Identifiers: Orphanet 474, MedGen C3151185, MONDO:0013441, OMIM 613819.

Allele frequency attached by ClinVar (database versions not stated): ExAC 0.00004; gnomAD exomes 0.00004.

Submissions (3):

PreventionGenetics, part of Exact Sciences
Classification: Uncertain significance for TTC21B-related condition. Last evaluated: 2026-02-25. Review status: criteria provided, single submitter. Criteria: ACMG Guidelines, 2015. Collection method: clinical testing. Allele origin: germline.
Comment: The TTC21B c.1847G>A variant is predicted to result in the amino acid substitution p.Arg616His. To our knowledge, this variant has not been reported in the literature. This variant is reported in 0.0087% of alleles in individuals of Latino descent in gnomAD. At this time, the clinical significance of this variant is uncertain due to the absence of conclusive functional and genetic evidence.

Fulgent Genetics
Classification: Uncertain significance for Asphyxiating thoracic dystrophy 4; Nephronophthisis 12. Last evaluated: 2024-05-22. Review status: criteria provided, single submitter. Criteria: ACMG Guidelines, 2015. Collection method: clinical testing. Allele origin: germline.

Labcorp Genetics (formerly Invitae), Labcorp
Classification: Uncertain significance for Jeune thoracic dystrophy; Nephronophthisis. Last evaluated: 2021-10-13. Review status: criteria provided, single submitter. Criteria: Invitae Variant Classification Sherloc (09022015). Collection method: clinical testing. Allele origin: germline.
Comment: This sequence change replaces arginine with histidine at codon 616 of the TTC21B protein (p.Arg616His). The arginine residue is moderately conserved and there is a small physicochemical difference between arginine and histidine. This variant is present in population databases (rs780307963, ExAC 0.009%). This variant has not been reported in the literature in individuals affected with TTC21B-related conditions. Algorithms developed to predict the effect of missense changes on protein structure and function are either unavailable or do not agree on the potential impact of this missense change (SIFT: "Tolerated"; PolyPhen-2: "Probably Damaging"; Align-GVGD: "Class C0"). In summary, the available evidence is currently insufficient to determine the role of this variant in disease. Therefore, it has been classified as a Variant of Uncertain Significance.